The following is an entry in ClinVar:

NM_001267550.2(TTN):c.61915T>C (p.Tyr20639His)

Genes: TTN (titin; minus strand), TTN-AS1 (TTN antisense RNA 1; plus strand). Cytogenetic location: 2q31.2.
Variant type: single nucleotide variant.
Coding change: c.61915T>C on transcript NM_001267550.2 (MANE Select); coding-DNA position 61915, T replaced by C.
Protein change: p.Tyr20639His; replaces tyrosine 20639 with histidine.
Molecular consequence: missense variant.
Genome position (GRCh38, 1-based): chr2:178,589,810, A>G on the plus strand (T>C on the coding strand, the complement: TTN is on the minus strand). VCF-style: chr2-178589810-A-G. GRCh37 (hg19) VCF-style: chr2-179454537-A-G.
Other names: c.56992T>C, p.Tyr18998His (NM_001256850.1); c.34720T>C, p.Tyr11574His (NM_003319.4); c.35095T>C, p.Tyr11699His (NM_133432.3); c.35296T>C, p.Tyr11766His (NM_133437.4); c.54211T>C, p.Tyr18071His (NM_133378.4); short protein forms Y18071H, Y20639H, Y18998H, Y11699H, Y11766H, Y11574H.
Identifiers: ClinVar variation 165919 (VCV000165919.8), dbSNP rs727503587, ClinGen allele CA178637.
Genomic context (GRCh38, chr2:178,589,810, plus strand): 5'-GAGTTTTTGTTTCGATGGTTGGCCCAACACCTACTTTATTCTCTGCACAAACTCGGAAAT[A>G]GTATTCATTGTTGGCTAAAAGGTTGGCCTTGATTAATCGTTTAGTGACATCTGATGCAAC-3'
Protein context (NP_001254479.2, residues 20629-20649): KANLLANNEY[Tyr20639His]FRVCAENKVG

ClinVar aggregate classification (germline): Uncertain significance. Review status: criteria provided, multiple submitters, no conflicts (2 of 4 stars). 3 submissions from 3 submitters: Uncertain significance (3). Last evaluated 2021-11-08.

Conditions:
Autosomal recessive limb-girdle muscular dystrophy type 2J (LGMDR10). Also called: MUSCULAR DYSTROPHY, LIMB-GIRDLE, AUTOSOMAL RECESSIVE 10; Limb-girdle muscular dystrophy, type 2J. Identifiers: Orphanet 140922, MedGen C1837342, MONDO:0012127, OMIM 608807.
Dilated cardiomyopathy 1G (CMD1G). Identifiers: Orphanet 154, MedGen C1858763, MONDO:0011400, OMIM 604145.
Tibial muscular dystrophy (TMD). Also called: Tibial muscular dystrophy, tardive; Udd Distal Myopathy – Tibial Muscular Dystrophy; UDD MYOPATHY. Identifiers: Orphanet 609, MedGen C1838244, MONDO:0010870, OMIM 600334.
Myopathy, myofibrillar, 9, with early respiratory failure (MFM9). Also called: Myopathy, distal, with early respiratory failure, autosomal dominant; EDSTROM MYOPATHY; MYOPATHY, PROXIMAL, WITH EARLY RESPIRATORY MUSCLE INVOLVEMENT; Hereditary myopathy with early respiratory failure. Identifiers: Orphanet 178464, Orphanet 34521, MedGen C1863599, MONDO:0011362, OMIM 603689.
Early-onset myopathy with fatal cardiomyopathy (CMYO5). Also called: CONGENITAL MYOPATHY 5 WITH CARDIOMYOPATHY; Salih Myopathy. Identifiers: Orphanet 289377, MedGen C2673677, MONDO:0012714, OMIM 611705. Disease mechanism: loss of function.
Hypertrophic cardiomyopathy 9. Also called: Familial hypertrophic cardiomyopathy 9. Identifiers: MedGen C1861065, MONDO:0013412, OMIM 613765.

Allele frequency attached by ClinVar (database versions not stated): gnomAD exomes below 0.00001 and 0.00001; TOPMed 0.00002; gnomAD 0.00003.
gnomAD v4.1: 8 of 1,613,454 alleles (0.0005%); highest among the groups gnomAD compares: Non-Finnish European, 0.00068%; no homozygotes.

Submissions (3):

Fulgent Genetics
Classification: Uncertain significance for Tibial muscular dystrophy; Myopathy, myofibrillar, 9, with early respiratory failure; Dilated cardiomyopathy 1G; Autosomal recessive limb-girdle muscular dystrophy type 2J; Early-onset myopathy with fatal cardiomyopathy; Hypertrophic cardiomyopathy 9. Last evaluated: 2021-11-08. Review status: criteria provided, single submitter. Criteria: ACMG Guidelines, 2015. Collection method: clinical testing. Allele origin: unknown.

Labcorp Genetics (formerly Invitae), Labcorp
Classification: Uncertain significance for Dilated cardiomyopathy 1G; Autosomal recessive limb-girdle muscular dystrophy type 2J. Last evaluated: 2017-06-12. Review status: criteria provided, single submitter. Criteria: Invitae Variant Classification Sherloc (09022015). Collection method: clinical testing. Allele origin: germline.

Laboratory for Molecular Medicine, Mass General Brigham Personalized Medicine
Classification: Uncertain significance. Last evaluated: 2014-11-17. Review status: criteria provided, single submitter. Criteria: LMM Criteria. Collection method: clinical testing. Allele origin: germline. Observed: 1 variant allele.
Comment: The p.Tyr18071His variant in TTN has not been previously reported in individuals with cardiomyopathy or in large population studies. Computational prediction to ols and conservation analysis do not provide strong support for or against an im pact to the protein. In summary, the clinical significance of the p.Tyr18071His variant is uncertain.